The following is an entry in ClinVar:

ClinVar aggregate classification (germline): Uncertain significance. Review status: criteria provided, multiple submitters, no conflicts (2 of 4 stars). 2 submissions from 2 submitters: Uncertain significance (2). Last evaluated 2023-11-06.

Conditions:
Retinal dystrophy. Also called: Inherited retinal dystrophy. Identifiers: Orphanet 71862, MedGen C0854723, MeSH D058499, MONDO:0019118, HP:0000556.

Submissions (2):

Labcorp Genetics (formerly Invitae), Labcorp
Classification: Uncertain significance. Last evaluated: 2023-11-06. Review status: criteria provided, single submitter. Criteria: Invitae Variant Classification Sherloc (09022015). Collection method: clinical testing. Allele origin: germline.
Comment: This sequence change replaces proline, which is neutral and non-polar, with serine, which is neutral and polar, at codon 241 of the FAM161A protein (p.Pro241Ser). This variant is present in population databases (rs531709417, gnomAD 0.007%). This variant has not been reported in the literature in individuals affected with FAM161A-related conditions. ClinVar contains an entry for this variant (Variation ID: 1371109). Advanced modeling of protein sequence and biophysical properties (such as structural, functional, and spatial information, amino acid conservation, physicochemical variation, residue mobility, and thermodynamic stability) performed at Invitae indicates that this missense variant is expected to disrupt FAM161A protein function with a positive predictive value of 80%. In summary, the available evidence is currently insufficient to determine the role of this variant in disease. Therefore, it has been classified as a Variant of Uncertain Significance.

Dept Of Ophthalmology, Nagoya University
Classification: Uncertain significance for Retinal dystrophy. Last evaluated: 2023-10-01. Review status: criteria provided, single submitter. Criteria: Submitter's publication. Collection method: research. Allele origin: germline. Affected: yes.

NM_001201543.2(FAM161A):c.721C>T (p.Pro241Ser)

Gene: FAM161A (FAM161 centrosomal protein A; minus strand). Cytogenetic location: 2p15.
Variant type: single nucleotide variant.
Coding change: c.721C>T on transcript NM_001201543.2 (MANE Select); coding-DNA position 721, C replaced by T.
Protein change: p.Pro241Ser; replaces proline 241 with serine.
Molecular consequence: missense variant. On other transcripts: non-coding transcript variant (1).
Genome position (GRCh38, 1-based): chr2:61,840,283, G>A on the plus strand (C>T on the coding strand, the complement: FAM161A is on the minus strand). VCF-style: chr2-61840283-G-A. GRCh37 (hg19) VCF-style: chr2-62067418-G-A.
Other names: c.721C>T, p.Pro241Ser (NM_032180.3); short protein forms P241S.
Identifiers: ClinVar variation 1371109 (VCV001371109.9), dbSNP rs531709417, ClinGen allele CA1679297.
Genomic context (GRCh38, chr2:61,840,283, plus strand): 5'-CTGATTTAGATTTCATGGACTCTTCTTTTTTCTTCTGTTCTCTTATCATCATTTGAAAAG[G>A]CTCCGGTACTGTAATTGTGGGCACCCATTCTTTTCGTTTCTTCCTTCTTTTTTCAGCTGC-3'
Protein context (NP_001188472.1, residues 231-251): EWVPTITVPE[Pro241Ser]FQMMIREQKK